The following is an entry in ClinVar:

NM_030632.3(ASXL3):c.6691C>T (p.His2231Tyr)

Gene: ASXL3 (ASXL transcriptional regulator 3; plus strand). Cytogenetic location: 18q12.1.
Variant type: single nucleotide variant.
Coding change: c.6691C>T on transcript NM_030632.3 (MANE Select); coding-DNA position 6691, C replaced by T.
Protein change: p.His2231Tyr; replaces histidine 2231 with tyrosine.
Molecular consequence: missense variant.
Genome position (GRCh38, 1-based): chr18:33,746,539, C>T. VCF-style: chr18-33746539-C-T. GRCh37 (hg19) VCF-style: chr18-31326503-C-T.
Other names: short protein forms H2231Y.
Identifiers: ClinVar variation 3766232 (VCV003766232.1).

ClinVar aggregate classification (germline): Uncertain significance (1 of 4 stars; one submission).

Submission:

GeneDx
Classification: Uncertain significance. Last evaluated: 2024-08-21. Review status: criteria provided, single submitter. Criteria: GeneDx Variant Classification Process June 2021. Collection method: clinical testing. Allele origin: germline. Affected: yes.
Comment: Not observed at significant frequency in large population cohorts (gnomAD); In silico analysis supports that this missense variant has a deleterious effect on protein structure/function; Has not been previously published as pathogenic or benign to our knowledge